The following is an entry in ClinVar:

ClinVar aggregate classification (germline): Uncertain significance. Review status: criteria provided, multiple submitters, no conflicts (2 of 4 stars). 2 submissions from 2 submitters: Uncertain significance (2). Last evaluated 2023-09-01.

Conditions:
Paroxysmal nonkinesigenic dyskinesia. Also called: Paroxysmal non-kinesigenic dyskinesia. Identifiers: Orphanet 98810, MedGen C1869117, MONDO:0700088.
Paroxysmal nonkinesigenic dyskinesia 1 (PNKD1). Also called: MOUNT-REBACK SYNDROME; PxMD-PNKD; Familial Paroxysmal Nonkinesigenic Dyskinesia; DYSTONIA 8; Nonkinesigenic choreoathetosis; Familial paroxysmal choreoathetosis. Identifiers: Orphanet 98810, MedGen C4551506, MONDO:0700089, OMIM 118800, MONDO:0007326.

Allele frequency attached by ClinVar (database versions not stated): gnomAD exomes below 0.00001.
gnomAD v4.1: 4 of 1,577,142 alleles (0.00025%); highest among the groups gnomAD compares: Middle Eastern, 0.05%; no homozygotes.

Submissions (2):

Labcorp Genetics (formerly Invitae), Labcorp
Classification: Uncertain significance for Paroxysmal nonkinesigenic dyskinesia. Last evaluated: 2023-09-01. Review status: criteria provided, single submitter. Criteria: Invitae Variant Classification Sherloc (09022015). Collection method: clinical testing. Allele origin: germline.
Comment: In summary, the available evidence is currently insufficient to determine the role of this variant in disease. Therefore, it has been classified as a Variant of Uncertain Significance. Advanced modeling of protein sequence and biophysical properties (such as structural, functional, and spatial information, amino acid conservation, physicochemical variation, residue mobility, and thermodynamic stability) performed at Invitae indicates that this missense variant is not expected to disrupt PNKD protein function. ClinVar contains an entry for this variant (Variation ID: 976065). This variant has not been reported in the literature in individuals affected with PNKD-related conditions. This variant is not present in population databases (gnomAD no frequency). This sequence change replaces tyrosine, which is neutral and polar, with cysteine, which is neutral and slightly polar, at codon 293 of the PNKD protein (p.Tyr293Cys).

Institute of Human Genetics, University of Leipzig Medical Center
Classification: Uncertain significance for Paroxysmal nonkinesigenic dyskinesia 1. Last evaluated: 2018-08-01. Review status: criteria provided, single submitter. Criteria: ACMG Guidelines, 2015. Collection method: clinical testing. Allele origin: germline. Affected: yes. Observed: 1 variant allele.

NM_015488.5(PNKD):c.878A>G (p.Tyr293Cys)

Genes: PNKD (PNKD metallo-beta-lactamase domain containing; plus strand), CATIP-AS2 (CATIP antisense RNA 2; minus strand). Cytogenetic location: 2q35.
Variant type: single nucleotide variant.
Coding change: c.878A>G on transcript NM_015488.5 (MANE Select); coding-DNA position 878, A replaced by G.
Protein change: p.Tyr293Cys; replaces tyrosine 293 with cysteine.
Molecular consequence: missense variant.
Genome position (GRCh38, 1-based): chr2:218,344,464, A>G. VCF-style: chr2-218344464-A-G. GRCh37 (hg19) VCF-style: chr2-219209187-A-G.
Other names: c.806A>G, p.Tyr269Cys (NM_022572.5); short protein forms Y269C, Y293C.
Identifiers: ClinVar variation 976065 (VCV000976065.4), dbSNP rs1694770280, ClinGen allele CA350542534.